The following is an entry in ClinVar:

NM_000245.4(MET):c.3858C>G (p.Asp1286Glu)

Gene: MET (MET proto-oncogene, receptor tyrosine kinase; plus strand). Cytogenetic location: 7q31.2.
Variant type: single nucleotide variant.
Coding change: c.3858C>G on transcript NM_000245.4 (MANE Select); coding-DNA position 3858, C replaced by G.
Protein change: p.Asp1286Glu; replaces aspartic acid 1286 with glutamic acid.
Molecular consequence: missense variant.
Genome position (GRCh38, 1-based): chr7:116,795,714, C>G. VCF-style: chr7-116795714-C-G. GRCh37 (hg19) VCF-style: chr7-116435768-C-G.
Other names: c.3912C>G, p.Asp1304Glu (NM_001127500.3); c.2568C>G, p.Asp856Glu (NM_001324402.2); short protein forms D856E, D1286E, D1304E.
Identifiers: ClinVar variation 2717921 (VCV002717921.4), dbSNP rs41736, ClinGen allele CA369117850.

ClinVar aggregate classification (germline): Uncertain significance (1 of 4 stars; one submission).

Conditions:
Renal cell carcinoma. Identifiers: Orphanet 217071, MedGen C0007134, MeSH D002292, MONDO:0005086, HP:0005584.

gnomAD v4.1: 1 of 1,613,838 alleles (0.000062%); highest among the groups gnomAD compares: Non-Finnish European, 0.000085%; no homozygotes.

Submissions (2):

Labcorp Genetics (formerly Invitae), Labcorp
Classification: Uncertain significance for Renal cell carcinoma. Last evaluated: 2023-06-16. Review status: criteria provided, single submitter. Criteria: Invitae Variant Classification Sherloc (09022015). Collection method: clinical testing. Allele origin: germline.
Comment: This sequence change replaces aspartic acid, which is acidic and polar, with glutamic acid, which is acidic and polar, at codon 1304 of the MET protein (p.Asp1304Glu). This variant is present in population databases (no rsID available, gnomAD 0.0009%). In summary, the available evidence is currently insufficient to determine the role of this variant in disease. Therefore, it has been classified as a Variant of Uncertain Significance. Algorithms developed to predict the effect of sequence changes on RNA splicing suggest that this variant may create or strengthen a splice site. Advanced modeling of protein sequence and biophysical properties (such as structural, functional, and spatial information, amino acid conservation, physicochemical variation, residue mobility, and thermodynamic stability) performed at Invitae indicates that this missense variant is not expected to disrupt MET protein function. This variant has not been reported in the literature in individuals affected with MET-related conditions.

Dr. Peter K. Rogan Lab, Western University
No classification provided (evidence only). Condition: Ovarian serous cystadenocarcinoma. Review status: no classification provided. Collection method: in vitro. Allele origin: not applicable. Functional consequence: retained intron. Not counted in ClinVar's aggregate classification.